The following is an entry in ClinVar:

ClinVar aggregate classification (germline): Pathogenic (1 of 4 stars; one submission).

Conditions:
Lynch syndrome 5 (LYNCH5). Also called: Colorectal cancer, hereditary nonpolyposis, type 5; Hereditary non-polyposis colorectal cancer, type 5. Identifiers: Orphanet 144, MedGen C1833477, MONDO:0013710, OMIM 614350. Disease mechanism: loss of function.

Submission:

Myriad Genetics, Inc.
Classification: Pathogenic for Lynch syndrome 5. Last evaluated: 2024-11-19. Review status: criteria provided, single submitter. Criteria: Myriad Autosomal Dominant, Autosomal Recessive and X-Linked Classification Criteria (2023). Collection method: clinical testing. Allele origin: unknown.
Comment: This variant is considered pathogenic. This variant creates a frameshift predicted to result in premature protein truncation.

NM_000179.3(MSH6):c.2336del (p.Cys779fs)

Gene: MSH6 (mutS homolog 6; plus strand). Cytogenetic location: 2p16.3.
Variant type: Deletion.
Coding change: c.2336del on transcript NM_000179.3 (MANE Select); coding-DNA position 2336, one base deleted (G; older notation c.2336delG).
Protein change: p.Cys779fs; shifts the reading frame from cysteine 779.
Molecular consequence: frameshift variant. On other transcripts: non-coding transcript variant (5), intron variant (3).
Genome position (GRCh38, 1-based): chr2:47,800,319, G deleted. VCF-style (leftmost placement, unchanged base first): chr2-47800318-TG-T. GRCh37 (hg19) VCF-style: chr2-48027457-TG-T.
Other names: c.1946del, p.Cys649fs (NM_001281492.2); c.1430del, p.Cys477fs (NM_001281493.2, NM_001281494.2, NM_001406811.1 and 6 more transcripts); c.2432del, p.Cys811fs (NM_001406795.1, NM_001406802.1); c.2336del, p.Cys779fs (NM_001406796.1, NM_001406798.1, NM_001406800.1 and 2 more transcripts); c.2039del, p.Cys680fs (NM_001406797.1, NM_001406801.1, NM_001406805.1 and 10 more transcripts); c.1811del, p.Cys604fs (NM_001406799.1, NM_001406806.1, NM_001406807.1); c.2258del, p.Cys753fs (NM_001406804.1); c.2342del, p.Cys781fs (NM_001406813.1); and 4 more; short protein forms C477fs, C604fs, C649fs, C680fs, C723fs, C753fs, C779fs, C781fs.
Identifiers: ClinVar variation 3773526 (VCV003773526.1).
Genomic context (GRCh38, chr2:47,800,318, plus strand): 5'-CTAGAGAGGGTTGATACTTGCCATACTCCTTTTGGTAAGCGGCTCCTAAAGCAATGGCTT[TG>T]TGCCCCACTCTGTAACCATTATGCTATTAATGATCGTCTAGATGCCATAGAAGACCTCAT-3'